The following is an entry in ClinVar:

NM_004168.4(SDHA):c.757_758del (p.Val253fs)

Gene: SDHA (succinate dehydrogenase complex flavoprotein subunit A; plus strand). Cytogenetic location: 5p15.33.
Variant type: Deletion.
Coding change: c.757_758del on transcript NM_004168.4 (MANE Select); coding-DNA positions 757 to 758, 2 bases deleted (GT; older notation c.757_758delGT).
Protein change: p.Val253fs; shifts the reading frame from valine 253.
Molecular consequence: frameshift variant.
Genome position (GRCh38, 1-based): chr5:228,320-228,321, GT deleted; deleting any 2 consecutive bases within chr5:228,319-228,321 gives the same sequence; the c. name uses the placement nearest the transcript's 3' end. VCF-style (leftmost placement, unchanged base first): chr5-228318-CTG-C. GRCh37 (hg19) VCF-style: chr5-228433-CTG-C.
Other names: c.757_758delGT (NM_004168.2); c.613_614del, p.Val205fs (NM_001294332.2); c.757_758del, p.Val253fs (NM_001330758.2); short protein forms V205fs, V253fs.
Identifiers: ClinVar variation 487408 (VCV000487408.14), dbSNP rs1553998254, ClinGen allele CA658657422.

ClinVar aggregate classification (germline): Pathogenic/Likely pathogenic. Review status: criteria provided, multiple submitters, no conflicts (2 of 4 stars). 4 submissions from 4 submitters: Pathogenic (2); Likely pathogenic (1). 1 of the submissions does not count toward it. Last evaluated 2025-05-05.

Conditions:
Pheochromocytoma/paraganglioma syndrome 5. Also called: SDHA-Related Hereditary Paraganglioma-Pheochromocytoma Syndrome; Paragangliomas 5. Identifiers: Orphanet 29072, MedGen C3279992, MONDO:0013602, OMIM 614165.
Mitochondrial complex II deficiency, nuclear type 1. Also called: SUCCINATE CoQ REDUCTASE DEFICIENCY. Identifiers: Orphanet 3208, MedGen C5700310, MONDO:0100294, OMIM 252011.
Hereditary cancer-predisposing syndrome. Also called: Hereditary neoplastic syndrome; Tumor predisposition; Neoplastic Syndromes, Hereditary; Hereditary Cancer Syndrome. Identifiers: Orphanet 140162, MedGen C0027672, MeSH D009386, MONDO:0015356.

Submissions (4):

Labcorp Genetics (formerly Invitae), Labcorp
Classification: Pathogenic for Pheochromocytoma/paraganglioma syndrome 5; Mitochondrial complex II deficiency, nuclear type 1. Last evaluated: 2025-05-05. Review status: criteria provided, single submitter. Criteria: Invitae Variant Classification Sherloc (09022015). Collection method: clinical testing. Allele origin: germline.
Comment: This sequence change creates a premature translational stop signal (p.Val253Cysfs*67) in the SDHA gene. It is expected to result in an absent or disrupted protein product. Loss-of-function variants in SDHA are known to be pathogenic (PMID: 22974104, 24781757). This variant is not present in population databases (gnomAD no frequency). This premature translational stop signal has been observed in individual(s) with pituitary adenoma (PMID: 32621582). ClinVar contains an entry for this variant (Variation ID: 487408). For these reasons, this variant has been classified as Pathogenic.

Ambry Genetics
Classification: Pathogenic for Hereditary cancer-predisposing syndrome. Last evaluated: 2024-11-18. Review status: criteria provided, single submitter. Criteria: Ambry Variant Classification Scheme 2023. Collection method: clinical testing. Allele origin: germline.
Comment: The c.757_758delGT pathogenic mutation, located in coding exon 6 of the SDHA gene, results from a deletion of two nucleotides at nucleotide positions 757 to 758, causing a translational frameshift with a predicted alternate stop codon (p.V253Cfs*67). This alteration was identified in an individual diagnosed with a pituitary adenoma (Mougel G et al. Eur J Endocrinol, 2020 Oct;183:369-379). This variant is considered to be rare based on population cohorts in the Genome Aggregation Database (gnomAD). This alteration is expected to result in loss of function by premature protein truncation or nonsense-mediated mRNA decay. As such, this alteration is interpreted as a disease-causing mutation.

Juno Genomics, Hangzhou Juno Genomics, Inc
Classification: Likely pathogenic for Pheochromocytoma/paraganglioma syndrome 5. Review status: criteria provided, single submitter. Criteria: ACMG Guidelines, 2015. Collection method: clinical testing. Allele origin: germline.
Comment: Absent from controls (or at extremely low frequency if recessive) in Genome Aggregation Database.;Null variant in a gene where loss of function (LOF) is a known mechanism of disease.

Counsyl
Classification: Likely pathogenic for Pheochromocytoma/paraganglioma syndrome 5. Last evaluated: 2016-11-28. Review status: no assertion criteria provided. Collection method: clinical testing. Allele origin: unknown. Not counted in ClinVar's aggregate classification.

Literature cited by the submitters: PubMed 22974104 (cited by Labcorp Genetics (formerly Invitae), Labcorp); PubMed 24781757 (cited by Labcorp Genetics (formerly Invitae), Labcorp); PubMed 32621582 (cited by Labcorp Genetics (formerly Invitae), Labcorp and Ambry Genetics).